The following is an entry in ClinVar:

NM_001077350.3(NPRL3):c.20C>T (p.Pro7Leu)

Genes: HBA-LCR (alpha-globin locus control region; plus strand), NPRL3 (NPR3 like, GATOR1 complex subunit; minus strand). Cytogenetic location: 16p13.3.
Variant type: single nucleotide variant.
Coding change: c.20C>T on transcript NM_001077350.3 (MANE Select); coding-DNA position 20, C replaced by T.
Protein change: p.Pro7Leu; replaces proline 7 with leucine.
Molecular consequence: missense variant. On other transcripts: 5 prime UTR variant (2).
Genome position (GRCh38, 1-based): chr16:138,248, G>A on the plus strand (C>T on the coding strand, the complement: NPRL3 is on the minus strand). VCF-style: chr16-138248-G-A. GRCh37 (hg19) VCF-style: chr16-188247-G-A.
Other names: c.-313C>T (NM_001039476.3); c.-352C>T (NM_001243247.2); c.20C>T, p.Pro7Leu (NM_001243248.2, NM_001243249.2); c.20C>T (NM_001077350.2); short protein forms P7L.
Identifiers: ClinVar variation 1430099 (VCV001430099.8), dbSNP rs770799124, ClinGen allele CA7769813.

ClinVar aggregate classification (germline): Uncertain significance. Review status: criteria provided, multiple submitters, no conflicts (2 of 4 stars). 3 submissions from 3 submitters: Uncertain significance (3). Last evaluated 2025-05-28.

Conditions:
Epilepsy, familial focal, with variable foci 3 (FFEVF3). Identifiers: MedGen C4310708, MONDO:0014925, OMIM 617118.
Inborn genetic diseases. Identifiers: MedGen C0950123, MeSH D030342.

Allele frequency attached by ClinVar (database versions not stated): gnomAD exomes below 0.00001 and 0.00001; ExAC 0.00003.

Submissions (3):

Ambry Genetics
Classification: Uncertain significance for Inborn genetic diseases. Last evaluated: 2025-05-28. Review status: criteria provided, single submitter. Criteria: Ambry Variant Classification Scheme 2023. Collection method: clinical testing. Allele origin: germline.

Labcorp Genetics (formerly Invitae), Labcorp
Classification: Uncertain significance for Epilepsy, familial focal, with variable foci 3. Last evaluated: 2025-03-05. Review status: criteria provided, single submitter. Criteria: Invitae Variant Classification Sherloc (09022015). Collection method: clinical testing. Allele origin: germline.
Comment: This sequence change replaces proline, which is neutral and non-polar, with leucine, which is neutral and non-polar, at codon 7 of the NPRL3 protein (p.Pro7Leu). This variant is present in population databases (rs770799124, gnomAD 0.02%). This variant has not been reported in the literature in individuals affected with NPRL3-related conditions. ClinVar contains an entry for this variant (Variation ID: 1430099). Invitae Evidence Modeling of protein sequence and biophysical properties (such as structural, functional, and spatial information, amino acid conservation, physicochemical variation, residue mobility, and thermodynamic stability) indicates that this missense variant is not expected to disrupt NPRL3 protein function with a negative predictive value of 80%. In summary, the available evidence is currently insufficient to determine the role of this variant in disease. Therefore, it has been classified as a Variant of Uncertain Significance.

Breakthrough Genomics
Classification: Uncertain significance. Review status: criteria provided, single submitter. Criteria: ACMG Guidelines, 2015. Collection method: not provided. Allele origin: germline. Inheritance: Autosomal dominant inheritance. Affected: yes.